The following is an entry in ClinVar:

NM_001256545.2(MEGF10):c.259A>G (p.Met87Val)

Gene: MEGF10 (multiple EGF like domains 10; plus strand). Cytogenetic location: 5q23.2.
Variant type: single nucleotide variant.
Coding change: c.259A>G on transcript NM_001256545.2 (MANE Select); coding-DNA position 259, A replaced by G.
Protein change: p.Met87Val; replaces methionine 87 with valine.
Molecular consequence: missense variant.
Genome position (GRCh38, 1-based): chr5:127,340,570, A>G. VCF-style: chr5-127340570-A-G. GRCh37 (hg19) VCF-style: chr5-126676262-A-G.
Other names: c.259A>G, p.Met87Val (NM_001308119.2, NM_001308121.2, NM_032446.3); short protein forms M87V.
Identifiers: ClinVar variation 350637 (VCV000350637.31), dbSNP rs41298304, ClinGen allele CA3391217.

ClinVar aggregate classification (germline): Uncertain significance. Review status: criteria provided, multiple submitters, no conflicts (2 of 4 stars). 7 submissions from 7 submitters: Uncertain significance (7). Last evaluated 2025-07-27.

Conditions:
MEGF10-related myopathy (CMYO10A). Also called: Congenital myopathy 10A, severe variant. Identifiers: Orphanet 439212, MedGen C3280679, MONDO:0013731, OMIM 614399.
Inborn genetic diseases. Identifiers: MedGen C0950123, MeSH D030342.

Allele frequency attached by ClinVar (database versions not stated): 1000 Genomes Project 30x 0.00031; 1000 Genomes Project 0.00040; gnomAD 0.00052; TOPMed 0.00054; ESP Exome Variant Server 0.00062.
gnomAD v4.1: 1,145 of 1,612,946 alleles (0.071%); highest among the groups gnomAD compares: Non-Finnish European, 0.09%; no homozygotes.

Submissions (7):

GeneDx
Classification: Uncertain significance. Last evaluated: 2025-07-27. Review status: criteria provided, single submitter. Criteria: GeneDx Variant Classification Process June 2021. Collection method: clinical testing. Allele origin: germline. Affected: yes.
Comment: In silico analysis suggests that this missense variant does not alter protein structure/function; This variant is associated with the following publications: (PMID: 39091240, Shad2023[Abstract])

CeGaT Center for Human Genetics Tuebingen
Classification: Uncertain significance. Last evaluated: 2025-03-01. Review status: criteria provided, single submitter. Criteria: CeGaT Center For Human Genetics Tuebingen Variant Classification Criteria Version 2. Collection method: clinical testing. Allele origin: germline. Affected: yes. Observed: 1 variant allele.

Ambry Genetics
Classification: Uncertain significance for Inborn genetic diseases. Last evaluated: 2023-12-22. Review status: criteria provided, single submitter. Criteria: Ambry Variant Classification Scheme 2023. Collection method: clinical testing. Allele origin: germline.

Revvity Omics, Revvity
Classification: Uncertain significance. Last evaluated: 2023-10-17. Review status: criteria provided, single submitter. Criteria: ACMG Guidelines, 2015. Collection method: clinical testing. Allele origin: germline.

Labcorp Genetics (formerly Invitae), Labcorp
Classification: Uncertain significance for MEGF10-related myopathy. Last evaluated: 2022-08-16. Review status: criteria provided, single submitter. Criteria: Invitae Variant Classification Sherloc (09022015). Collection method: clinical testing. Allele origin: germline.
Comment: This sequence change replaces methionine, which is neutral and non-polar, with valine, which is neutral and non-polar, at codon 87 of the MEGF10 protein (p.Met87Val). This variant is present in population databases (rs41298304, gnomAD 0.08%). This variant has not been reported in the literature in individuals affected with MEGF10-related conditions. ClinVar contains an entry for this variant (Variation ID: 350637). Algorithms developed to predict the effect of missense changes on protein structure and function are either unavailable or do not agree on the potential impact of this missense change (SIFT: "Deleterious"; PolyPhen-2: "Probably Damaging"; Align-GVGD: "Class C0"). In summary, the available evidence is currently insufficient to determine the role of this variant in disease. Therefore, it has been classified as a Variant of Uncertain Significance.

Illumina Laboratory Services, Illumina
Classification: Uncertain significance for MEGF10-related myopathy. Last evaluated: 2018-01-12. Review status: criteria provided, single submitter. Criteria: ICSL Variant Classification Criteria 13 December 2019. Collection method: clinical testing. Allele origin: germline.

Breakthrough Genomics
Classification: Uncertain significance. Review status: criteria provided, single submitter. Criteria: ACMG Guidelines, 2015. Collection method: not provided. Allele origin: germline. Inheritance: Autosomal recessive inheritance. Affected: yes.